The following is an entry in ClinVar:

NM_032776.3(JMJD1C):c.3082G>C (p.Glu1028Gln)

Gene: JMJD1C (jumonji domain containing 1C; minus strand). Cytogenetic location: 10q21.3.
Variant type: single nucleotide variant.
Coding change: c.3082G>C on transcript NM_032776.3 (MANE Select); coding-DNA position 3082, G replaced by C.
Protein change: p.Glu1028Gln; replaces glutamic acid 1028 with glutamine.
Molecular consequence: missense variant. On other transcripts: non-coding transcript variant (1).
Genome position (GRCh38, 1-based): chr10:63,208,587, C>G on the plus strand (G>C on the coding strand, the complement: JMJD1C is on the minus strand). VCF-style: chr10-63208587-C-G. GRCh37 (hg19) VCF-style: chr10-64968347-C-G.
Other names: c.2536G>C, p.Glu846Gln (NM_001282948.2, NM_001318154.2); c.2218G>C, p.Glu740Gln (NM_001318153.2); c.2968G>C, p.Glu990Gln (NM_001322252.2); c.2425G>C, p.Glu809Gln (NM_001322254.2, NM_001322258.2); short protein forms E1028Q, E740Q, E809Q, E846Q, E990Q.
Identifiers: ClinVar variation 1000601 (VCV001000601.9), dbSNP rs78993293, ClinGen allele CA208372423.

ClinVar aggregate classification (germline): Uncertain significance (1 of 4 stars; one submission).

Conditions:
Early Myoclonic Encephalopathy. Identifiers: MedGen C0270855.

Allele frequency attached by ClinVar (database versions not stated): TOPMed 0.00001; gnomAD 0.00001; gnomAD exomes 0.00001; 1000 Genomes Project 30x 0.00016.
gnomAD v4.1: 18 of 1,614,048 alleles (0.0011%); highest among the groups gnomAD compares: East Asian, 0.0022%; no homozygotes.

Submission:

Labcorp Genetics (formerly Invitae), Labcorp
Classification: Uncertain significance for Early Myoclonic Encephalopathy. Last evaluated: 2025-03-10. Review status: criteria provided, single submitter. Criteria: Invitae Variant Classification Sherloc (09022015). Collection method: clinical testing. Allele origin: germline.
Comment: This sequence change replaces glutamic acid, which is acidic and polar, with glutamine, which is neutral and polar, at codon 1028 of the JMJD1C protein (p.Glu1028Gln). This variant is not present in population databases (gnomAD no frequency). This variant has not been reported in the literature in individuals affected with JMJD1C-related conditions. ClinVar contains an entry for this variant (Variation ID: 1000601). Invitae Evidence Modeling of protein sequence and biophysical properties (such as structural, functional, and spatial information, amino acid conservation, physicochemical variation, residue mobility, and thermodynamic stability) indicates that this missense variant is expected to disrupt JMJD1C protein function with a positive predictive value of 80%. In summary, the available evidence is currently insufficient to determine the role of this variant in disease. Therefore, it has been classified as a Variant of Uncertain Significance.